The following is an entry in ClinVar:

NM_003384.3(VRK1):c.542_543insGCGCGGTGGCTCACGCCTGTAATCCCAGCACTTTGGGAGGCCGAGGCGGGTGGATCATGAGGTCAGGAGATCNNNNNNNNNNAAAAAAAAAAAAAAAAAAAAAAGGCCTC (p.Ser181_Asn182insArgGlyGlySerArgLeuTer)

Gene: VRK1 (VRK serine/threonine kinase 1; plus strand). Cytogenetic location: 14q32.2.
Variant type: Insertion.
Coding change: c.542_543insGCGCGGTGGCTCACGCCTGTAATCCCAGCACTTTGGGAGGCCGAGGCGGGTGGATCATGAGGTCAGGAGATCNNNNNNNNNNAAAAAAAAAAAAAAAAAAAAAAGGCCTC on transcript NM_003384.3 (MANE Select); coding-DNA positions 542 to 543, GCGCGGTGGCTCACGCCTGTAATCCCAGCACTTTGGGAGGCCGAGGCGGGTGGATCATGAGGTCAGGAGATCNNNNNNNNNNAAAAAAAAAAAAAAAAAAAAAAGGCCTC inserted.
Protein change: p.Ser181_Asn182insArgGlyGlySerArgLeuTer.
Molecular consequence: nonsense, inframe insertion.
Genome position: GRCh38: chr14:96,853,132-96,853,133. GRCh37 (hg19): chr14:97,319,469-97,319,470.
Identifiers: ClinVar variation 1399359 (VCV001399359.7), dbSNP rs2139796429.

ClinVar aggregate classification (germline): Pathogenic (1 of 4 stars; one submission).

Conditions:
Pontocerebellar hypoplasia type 1A (PCH1A). Also called: PONTOCEREBELLAR HYPOPLASIA WITH ANTERIOR HORN CELL DISEASE; PONTOCEREBELLAR HYPOPLASIA WITH INFANTILE SPINAL MUSCULAR ATROPHY. Identifiers: Orphanet 2254, Orphanet 88616, MedGen C1843504, MONDO:0011866, OMIM 607596.

Submission:

Labcorp Genetics (formerly Invitae), Labcorp
Classification: Pathogenic for Pontocerebellar hypoplasia type 1A. Last evaluated: 2023-05-24. Review status: criteria provided, single submitter. Criteria: Invitae Variant Classification Sherloc (09022015). Collection method: clinical testing. Allele origin: germline.
Comment: This variant has not been reported in the literature in individuals affected with VRK1-related conditions. For these reasons, this variant has been classified as Pathogenic. Retrotransposon insertions including LINE1 (L1), Alu, and SVA (SINE-VNTR-Alu) have been reported to be disease-causing through disruption of either a coding region or splice site (PMID: 19763152, 20307669, 22406018) and loss-of-function variants in VRK1 are known to be pathogenic (PMID: 19646678, 24126608, 27281532). This variant is not present in population databases (gnomAD no frequency). This sequence change inserts a large fragment of DNA, likely a transposable element, in exon 7 of the VRK1 gene (c.542_543ins?), causing a frameshift at codon 182 (p.Asn182fs). The exact size and sequence of the insertion cannot be determined by the current assay. However, the insertion is expected to result in an absent or disrupted protein product.

Literature cited by the submitters: PubMed 19763152; PubMed 20307669; PubMed 22406018; PubMed 19646678; PubMed 24126608; PubMed 27281532.